The following is an entry in ClinVar:

NM_007294.4(BRCA1):c.5026_5027del (p.Leu1676fs)

Gene: BRCA1 (BRCA1 DNA repair associated; minus strand). Cytogenetic location: 17q21.31.
Variant type: Deletion.
Coding change: c.5026_5027del on transcript NM_007294.4 (MANE Select); coding-DNA positions 5026 to 5027, 2 bases deleted (TT; older notation c.5026_5027delTT).
Protein change: p.Leu1676fs; shifts the reading frame from leucine 1676.
Molecular consequence: frameshift variant. On other transcripts: non-coding transcript variant (1).
Genome position (GRCh38, 1-based): chr17:43,067,655-43,067,656, AA deleted on the plus strand (TT on the coding strand, the reverse complement: BRCA1 is on the minus strand); deleting any 2 consecutive bases within chr17:43,067,655-43,067,657 gives the same sequence; the c. name uses the placement nearest the transcript's 3' end. VCF-style (leftmost placement, unchanged base first): chr17-43067654-TAA-T. GRCh37 (hg19) VCF-style: chr17-41219671-TAA-T.
Other names: 5145_5146delTT; c.4812_4813delTT, p.Leu1605Asnfs (NM_001407571.1, NM_001407894.1, NM_001407895.1 and 12 more transcripts); c.5091_5092delTT, p.Leu1698Asnfs (NM_001407581.1, NM_001407582.1); c.5088_5089delTT, p.Leu1697Asnfs (NM_001407583.1, NM_001407585.1, NM_001407587.1); c.5085_5086delTT, p.Leu1696Asnfs (NM_001407590.1, NM_001407591.1); c.5025_5026delTT, p.Leu1676Asnfs (NM_001407593.1, NM_001407594.1, NM_001407596.1 and 9 more transcripts); c.5022_5023delTT, p.Leu1675Asnfs (NM_001407610.1, NM_001407611.1, NM_001407612.1 and 17 more transcripts); c.5019_5020delTT, p.Leu1674Asnfs (NM_001407627.1, NM_001407628.1, NM_001407629.1 and 14 more transcripts); and 74 more; short protein forms L1676fs, L572fs, L1629fs, L1697fs.
Identifiers: ClinVar variation 266511 (VCV000266511.10), dbSNP rs397509217, ClinGen allele CA10589630.

ClinVar aggregate classification (germline): Pathogenic. Review status: reviewed by expert panel (3 of 4 stars). 3 submissions from 3 submitters: Pathogenic (1). 2 of the submissions do not count toward it. Last evaluated 2016-10-18.

Conditions:
Hereditary breast ovarian cancer syndrome. Also called: Hereditary breast and ovarian cancer syndrome (HBOC); Breast and ovarian cancer; Hereditary breast and ovarian cancer syndrome; Hereditary breast and ovarian cancer; BRCA1- and BRCA2-Associated Hereditary Breast and Ovarian Cancer; Hereditary breast and/or ovarian cancer syndrome. Identifiers: Orphanet 145, MedGen C0677776, MeSH D061325, MONDO:0003582. Disease mechanism: loss of function.
Breast-ovarian cancer, familial, susceptibility to, 1 (BROVCA1). Also called: BRCA1 Hereditary Breast and Ovarian Cancer; OVARIAN CANCER, SUSCEPTIBILITY TO. Identifiers: Orphanet 145, MedGen C2676676, MONDO:0011450, OMIM 604370. Disease mechanism: loss of function.

Submissions (3):

Evidence-based Network for the Interpretation of Germline Mutant Alleles (ENIGMA)
Classification: Pathogenic for Breast-ovarian cancer, familial, susceptibility to, 1. Last evaluated: 2016-10-18. Review status: reviewed by expert panel. Criteria: ENIGMA BRCA1/2 Classification Criteria (2015). Collection method: curation. Allele origin: germline.
Comment: Variant allele predicted to encode a truncated non-functional protein.

Labcorp Genetics (formerly Invitae), Labcorp
Classification: Pathogenic for Hereditary breast ovarian cancer syndrome. Last evaluated: 2021-12-30. Review status: criteria provided, single submitter. Criteria: Invitae Variant Classification Sherloc (09022015). Collection method: clinical testing. Allele origin: germline. Not counted in ClinVar's aggregate classification.
Comment: For these reasons, this variant has been classified as Pathogenic. ClinVar contains an entry for this variant (Variation ID: 266511). This premature translational stop signal has been observed in individual(s) with clinical features of hereditary breast and ovarian cancer (HBOC) syndrome (PMID: 29446198). This variant is not present in population databases (gnomAD no frequency). This sequence change creates a premature translational stop signal (p.Leu1676Asnfs*2) in the BRCA1 gene. It is expected to result in an absent or disrupted protein product. Loss-of-function variants in BRCA1 are known to be pathogenic (PMID: 20104584).

Consortium of Investigators of Modifiers of BRCA1/2 (CIMBA), c/o University of Cambridge
Classification: Pathogenic for Breast-ovarian cancer, familial, susceptibility to, 1. Last evaluated: 2015-10-02. Review status: criteria provided, single submitter. Criteria: CIMBA Mutation Classification guidelines May 2016. Collection method: clinical testing. Allele origin: germline. Not counted in ClinVar's aggregate classification.

Literature cited by the submitters: PubMed 29446198 (cited by Labcorp Genetics (formerly Invitae), Labcorp); PubMed 20104584 (cited by Labcorp Genetics (formerly Invitae), Labcorp).